The following is an entry in ClinVar:

NM_019066.5(MAGEL2):c.774G>C (p.Pro258=)

Gene: MAGEL2 (MAGE family member L2; minus strand). Cytogenetic location: 15q11.2.
Variant type: single nucleotide variant.
Coding change: c.774G>C on transcript NM_019066.5 (MANE Select); coding-DNA position 774, G replaced by C.
Protein change: p.Pro258=; no amino-acid change (proline 258 retained).
Molecular consequence: synonymous variant.
Genome position (GRCh38, 1-based): chr15:23,646,969, C>G on the plus strand (G>C on the coding strand, the complement: MAGEL2 is on the minus strand). VCF-style: chr15-23646969-C-G. GRCh37 (hg19) VCF-style: chr15-23892116-C-G.
Identifiers: ClinVar variation 4716954 (VCV004716954.1).

ClinVar aggregate classification (germline): Uncertain significance (1 of 4 stars; one submission).

Submission:

Labcorp Genetics (formerly Invitae), Labcorp
Classification: Uncertain significance. Last evaluated: 2025-04-17. Review status: criteria provided, single submitter. Criteria: Invitae Variant Classification Sherloc (09022015). Collection method: clinical testing. Allele origin: germline.
Comment: This sequence change affects codon 258 of the MAGEL2 mRNA. It is a 'silent' change, meaning that it does not change the encoded amino acid sequence of the MAGEL2 protein. This variant is present in population databases (no rsID available, gnomAD 0.004%). This variant has not been reported in the literature in individuals affected with MAGEL2-related conditions. In summary, the available evidence is currently insufficient to determine the role of this variant in disease. Therefore, it has been classified as a Variant of Uncertain Significance.